The following is an entry in ClinVar:

NM_000051.4(ATM):c.4279G>C (p.Ala1427Pro)

Gene: ATM (ATM serine/threonine kinase; plus strand). Cytogenetic location: 11q22.3.
Variant type: single nucleotide variant.
Coding change: c.4279G>C on transcript NM_000051.4 (MANE Select); coding-DNA position 4279, G replaced by C.
Protein change: p.Ala1427Pro; replaces alanine 1427 with proline.
Molecular consequence: missense variant.
Genome position (GRCh38, 1-based): chr11:108,289,644, G>C. VCF-style: chr11-108289644-G-C. GRCh37 (hg19) VCF-style: chr11-108160371-G-C.
Other names: c.4279G>C, p.Ala1427Pro (NM_001351834.2); short protein forms A1427P.
Identifiers: ClinVar variation 2702790 (VCV002702790.3), dbSNP rs2229021, ClinGen allele CA382531341.

ClinVar aggregate classification (germline): Uncertain significance (1 of 4 stars; one submission).

Conditions:
Ataxia-telangiectasia syndrome (AT). Also called: Cerebello-oculocutaneous telangiectasia; Immunodeficiency with ataxia telangiectasia; Ataxia-telangiectasia, complementation group E; LOUIS-BAR SYNDROME; Ataxia telangiectasia (A-T); AT, COMPLEMENTATION GROUP C. Identifiers: Orphanet 100, MedGen C0004135, MONDO:0008840, OMIM 208900.

Submission:

Labcorp Genetics (formerly Invitae), Labcorp
Classification: Uncertain significance for Ataxia-telangiectasia syndrome. Last evaluated: 2023-12-13. Review status: criteria provided, single submitter. Criteria: Invitae Variant Classification Sherloc (09022015). Collection method: clinical testing. Allele origin: germline.
Comment: This sequence change replaces alanine, which is neutral and non-polar, with proline, which is neutral and non-polar, at codon 1427 of the ATM protein (p.Ala1427Pro). This variant is not present in population databases (gnomAD no frequency). This variant has not been reported in the literature in individuals affected with ATM-related conditions. An algorithm developed to predict the effect of missense changes on protein structure and function (PolyPhen-2) suggests that this variant is likely to be tolerated. In summary, the available evidence is currently insufficient to determine the role of this variant in disease. Therefore, it has been classified as a Variant of Uncertain Significance.